The following is an entry in ClinVar:

NM_004369.4(COL6A3):c.5393G>A (p.Arg1798His)

Gene: COL6A3 (collagen type VI alpha 3 chain; minus strand). Cytogenetic location: 2q37.3.
Variant type: single nucleotide variant.
Coding change: c.5393G>A on transcript NM_004369.4 (MANE Select); coding-DNA position 5393, G replaced by A.
Protein change: p.Arg1798His; replaces arginine 1798 with histidine.
Molecular consequence: missense variant.
Genome position (GRCh38, 1-based): chr2:237,366,794, C>T on the plus strand (G>A on the coding strand, the complement: COL6A3 is on the minus strand). VCF-style: chr2-237366794-C-T. GRCh37 (hg19) VCF-style: chr2-238275437-C-T.
Other names: c.3572G>A, p.Arg1191His (NM_057166.5); c.4775G>A, p.Arg1592His (NM_057167.4); short protein forms R1798H, R1191H, R1592H.
Identifiers: ClinVar variation 452297 (VCV000452297.22), dbSNP rs371441617, ClinGen allele CA2188678.

ClinVar aggregate classification (germline): Conflicting classifications of pathogenicity. Review status: criteria provided, conflicting classifications (1 of 4 stars). 5 submissions from 5 submitters: Uncertain significance (3); Benign (1); Likely benign (1). Last evaluated 2025-09-03.

Conditions:
Collagen 6-related myopathy. Identifiers: MedGen CN117976, MONDO:0100225.
Bethlem myopathy 1A. Also called: MYOPATHY, BENIGN CONGENITAL, WITH CONTRACTURES; Bethlem myopathy 1; Bethlem Muscular Dystrophy. Identifiers: Orphanet 610, MedGen CN029274, MONDO:0024530, OMIM 158810.

Allele frequency attached by ClinVar (database versions not stated): gnomAD 0.00004 and 0.00005; gnomAD exomes 0.00004 and 0.00013; TOPMed 0.00006; ExAC 0.00009.
gnomAD v4.1: 67 of 1,614,272 alleles (0.0042%); highest among the groups gnomAD compares: East Asian, 0.056%; no homozygotes.

Submissions (6):

Labcorp Genetics (formerly Invitae), Labcorp
Classification: Likely benign for Bethlem myopathy 1A. Last evaluated: 2025-09-03. Review status: criteria provided, single submitter. Criteria: Invitae Variant Classification Sherloc (09022015). Collection method: clinical testing. Allele origin: germline.

Revvity Omics, Revvity
Classification: Uncertain significance. Last evaluated: 2025-01-06. Review status: criteria provided, single submitter. Criteria: ACMG Guidelines, 2015. Collection method: clinical testing. Allele origin: germline.

Illumina Laboratory Services, Illumina
Classification: Benign for Collagen VI-related myopathy. Last evaluated: 2018-01-13. Review status: criteria provided, single submitter. Criteria: ICSL Variant Classification Criteria 13 December 2019. Collection method: clinical testing. Allele origin: germline.
Comment: This variant was observed in the ICSL laboratory as part of a predisposition screen in an ostensibly healthy population. It had not been previously curated by ICSL or reported in the Human Gene Mutation Database (HGMD: prior to June 1st, 2018), and was therefore a candidate for classification through an automated scoring system. Utilizing variant allele frequency, disease prevalence and penetrance estimates, and inheritance mode, an automated score was calculated to assess if this variant is too frequent to cause the disease. Based on the score and internal cut-off values, a variant classified as benign is not then subjected to further curation. The score for this variant resulted in a classification of benign for this disease.

GeneDx
Classification: Uncertain significance. Last evaluated: 2017-09-25. Review status: criteria provided, single submitter. Criteria: GeneDx Variant Classification (06012015). Collection method: clinical testing. Allele origin: germline. Affected: yes.
Comment: The R1798H variant has not been published as a pathogenic variant, nor has it been reported as a benign variant to our knowledge. The R1798H variant is observed in 22/18,870 (0.12%) alleles from individuals of East Asian background (Lek et al., 2016). This variant is a conservative amino acid substitution, which is not likely to impact secondary protein structure as these residues share similar properties. This substitution occurs at a position that is not conserved. However, in silico analysis is inconsistent in its predictions as to whether or not the variant is damaging to the protein structure/function

Eurofins Ntd Llc (ga)
Classification: Uncertain significance. Last evaluated: 2017-03-23. Review status: criteria provided, single submitter. Criteria: EGL Classification Definitions 2015. Collection method: clinical testing. Allele origin: germline. Observed: 1 variant allele, 1 heterozygote.

Dr. Peter K. Rogan Lab, Western University
No classification provided (evidence only). Condition: Malignant tumor of esophagus. Review status: no classification provided. Collection method: in vitro. Allele origin: not applicable. Functional consequence: retained intron. Not counted in ClinVar's aggregate classification.